The following is an entry in ClinVar:

ClinVar aggregate classification (germline): Uncertain significance (1 of 4 stars; one submission).

Submission:

GeneDx
Classification: Uncertain significance. Last evaluated: 2026-03-10. Review status: criteria provided, single submitter. Criteria: GeneDx Variant Classification Process June 2021. Collection method: clinical testing. Allele origin: germline.
Comment: Not observed at significant frequency in large population cohorts (gnomAD); In silico analysis supports that this missense variant has a deleterious effect on protein structure/function; Has not been previously published as pathogenic or benign to our knowledge

NM_006267.5(RANBP2):c.2255A>C (p.Glu752Ala)

Gene: RANBP2 (RAN binding protein 2; plus strand). Cytogenetic location: 2q13.
Variant type: single nucleotide variant.
Coding change: c.2255A>C on transcript NM_006267.5 (MANE Select); coding-DNA position 2255, A replaced by C.
Protein change: p.Glu752Ala; replaces glutamic acid 752 with alanine.
Molecular consequence: missense variant.
Genome position (GRCh38, 1-based): chr2:108,754,957, A>C. VCF-style: chr2-108754957-A-C. GRCh37 (hg19) VCF-style: chr2-109371413-A-C.
Other names: c.2255A>C, p.Glu752Ala (NM_001415871.1, NM_001415873.1); c.2252A>C, p.Glu751Ala (NM_001415872.1); short protein forms E751A, E752A.
Identifiers: ClinVar variation 5008750 (VCV005008750.1).